The following is an entry in ClinVar:

NM_001298.3(CNGA3):c.1316G>A (p.Arg439Gln)

Gene: CNGA3 (cyclic nucleotide gated channel subunit alpha 3; plus strand). Cytogenetic location: 2q11.2.
Variant type: single nucleotide variant.
Coding change: c.1316G>A on transcript NM_001298.3 (MANE Select); coding-DNA position 1316, G replaced by A.
Protein change: p.Arg439Gln; replaces arginine 439 with glutamine.
Molecular consequence: missense variant.
Genome position (GRCh38, 1-based): chr2:98,396,486, G>A. VCF-style: chr2-98396486-G-A. GRCh37 (hg19) VCF-style: chr2-99012949-G-A.
Other names: c.1262G>A, p.Arg421Gln (NM_001079878.2); short protein forms R421Q, R439Q.
Identifiers: ClinVar variation 1061091 (VCV001061091.4), dbSNP rs760376435, ClinGen allele CA1793987.

ClinVar aggregate classification (germline): Uncertain significance (1 of 4 stars; one submission).

Allele frequency attached by ClinVar (database versions not stated): ExAC 0.00001; gnomAD 0.00002; gnomAD exomes 0.00002; TOPMed 0.00004.
gnomAD v4.1: 62 of 1,613,842 alleles (0.0038%); highest among the groups gnomAD compares: Admixed American, 0.005%; no homozygotes.

Submission:

Labcorp Genetics (formerly Invitae), Labcorp
Classification: Uncertain significance. Last evaluated: 2022-06-13. Review status: criteria provided, single submitter. Criteria: Invitae Variant Classification Sherloc (09022015). Collection method: clinical testing. Allele origin: germline.
Comment: This sequence change replaces arginine, which is basic and polar, with glutamine, which is neutral and polar, at codon 439 of the CNGA3 protein (p.Arg439Gln). This variant is present in population databases (rs760376435, gnomAD 0.007%). This variant has not been reported in the literature in individuals affected with CNGA3-related conditions. ClinVar contains an entry for this variant (Variation ID: 1061091). Advanced modeling of protein sequence and biophysical properties (such as structural, functional, and spatial information, amino acid conservation, physicochemical variation, residue mobility, and thermodynamic stability) performed at Invitae indicates that this missense variant is not expected to disrupt CNGA3 protein function. This variant disrupts the p.Arg439 amino acid residue in CNGA3. Other variant(s) that disrupt this residue have been determined to be pathogenic (PMID: 26992781). This suggests that this residue is clinically significant, and that variants that disrupt this residue are likely to be disease-causing. In summary, the available evidence is currently insufficient to determine the role of this variant in disease. Therefore, it has been classified as a Variant of Uncertain Significance.

Literature cited by the submitters: PubMed 26992781.